The following is an entry in ClinVar:

ClinVar aggregate classification (germline): Uncertain significance. Review status: criteria provided, multiple submitters, no conflicts (2 of 4 stars). 3 submissions from 3 submitters: Uncertain significance (3). Last evaluated 2025-01-20.

Conditions:
Autosomal recessive ataxia, Beauce type. Also called: Spinocerebellar ataxia, autosomal recessive 8; ATAXIA, RECESSIVE, OF BEAUCE; SYNE1-Related Autosomal Recessive Cerebellar Ataxia; SYNE1 Deficiency. Identifiers: Orphanet 88644, MedGen C1853116, MONDO:0012549, OMIM 610743.
Emery-Dreifuss muscular dystrophy 4, autosomal dominant (EDMD4). Also called: EMERY-DREIFUSS MUSCULAR DYSTROPHY 4 WITH VARIABLE FEATURES. Identifiers: Orphanet 261, MedGen C2751807, MONDO:0013071, OMIM 612998.

Allele frequency attached by ClinVar (database versions not stated): gnomAD exomes 0.00002 and 0.00009; gnomAD 0.00003 and 0.00004; ExAC 0.00007; TOPMed 0.00009; ESP Exome Variant Server 0.00015.
gnomAD v4.1: 35 of 1,613,810 alleles (0.0022%); highest among the groups gnomAD compares: Admixed American, 0.048%; no homozygotes.

Submissions (3):

Labcorp Genetics (formerly Invitae), Labcorp
Classification: Uncertain significance for Emery-Dreifuss muscular dystrophy 4, autosomal dominant; Autosomal recessive ataxia, Beauce type. Last evaluated: 2025-01-20. Review status: criteria provided, single submitter. Criteria: Invitae Variant Classification Sherloc (09022015). Collection method: clinical testing. Allele origin: germline.
Comment: This sequence change replaces aspartic acid, which is acidic and polar, with valine, which is neutral and non-polar, at codon 7613 of the SYNE1 protein (p.Asp7613Val). This variant is present in population databases (rs139077054, gnomAD 0.06%). This variant has not been reported in the literature in individuals affected with SYNE1-related conditions. ClinVar contains an entry for this variant (Variation ID: 282893). An algorithm developed to predict the effect of missense changes on protein structure and function (PolyPhen-2) suggests that this variant is likely to be tolerated. In summary, the available evidence is currently insufficient to determine the role of this variant in disease. Therefore, it has been classified as a Variant of Uncertain Significance.

GeneDx
Classification: Uncertain significance. Last evaluated: 2023-12-10. Review status: criteria provided, single submitter. Criteria: GeneDx Variant Classification Process June 2021. Collection method: clinical testing. Allele origin: germline. Affected: yes.
Comment: In silico analysis supports that this missense variant has a deleterious effect on protein structure/function; Has not been previously published as pathogenic or benign to our knowledge

Eurofins Ntd Llc (ga)
Classification: Uncertain significance. Last evaluated: 2015-09-01. Review status: criteria provided, single submitter. Criteria: EGL Classification Definitions 2015. Collection method: clinical testing. Allele origin: germline. Observed: 1 variant allele, 1 heterozygote.

NM_182961.4(SYNE1):c.23051A>T (p.Asp7684Val)

Gene: SYNE1 (spectrin repeat containing nuclear envelope protein 1; minus strand). Cytogenetic location: 6q25.2.
Variant type: single nucleotide variant.
Coding change: c.23051A>T on transcript NM_182961.4 (MANE Select); coding-DNA position 23051, A replaced by T.
Protein change: p.Asp7684Val; replaces aspartic acid 7684 with valine.
Molecular consequence: missense variant.
Genome position (GRCh38, 1-based): chr6:152,201,918, T>A on the plus strand (A>T on the coding strand, the complement: SYNE1 is on the minus strand). VCF-style: chr6-152201918-T-A. GRCh37 (hg19) VCF-style: chr6-152523053-T-A.
Other names: c.22838A>T, p.Asp7613Val (NM_033071.5); short protein forms D7684V, D7613V.
Identifiers: ClinVar variation 282893 (VCV000282893.14), dbSNP rs139077054, ClinGen allele CA4053704.